The following is an entry in ClinVar:

NM_032638.5(GATA2):c.734C>G (p.Pro245Arg)

Gene: GATA2 (GATA binding protein 2; minus strand). Cytogenetic location: 3q21.3.
Variant type: single nucleotide variant.
Coding change: c.734C>G on transcript NM_032638.5 (MANE Select); coding-DNA position 734, C replaced by G.
Protein change: p.Pro245Arg; replaces proline 245 with arginine.
Molecular consequence: missense variant.
Genome position (GRCh38, 1-based): chr3:128,485,864, G>C on the plus strand (C>G on the coding strand, the complement: GATA2 is on the minus strand). VCF-style: chr3-128485864-G-C. GRCh37 (hg19) VCF-style: chr3-128204707-G-C.
Other names: c.734C>G, p.Pro245Arg (NM_001145661.2, NM_001145662.1); short protein forms P245R.
Identifiers: ClinVar variation 1447981 (VCV001447981.9), dbSNP rs2107672060, ClinGen allele CA354406099.

ClinVar aggregate classification (germline): Uncertain significance (1 of 4 stars; one submission).

Conditions:
Deafness-lymphedema-leukemia syndrome. Also called: Lymphedema, primary, with myelodysplasia; Emberger syndrome. Identifiers: Orphanet 3226, MedGen C3279664, MONDO:0013540, OMIM 614038.
Monocytopenia with susceptibility to infections. Also called: COMBINED IMMUNODEFICIENCY WITH SUSCEPTIBILITY TO MYCOBACTERIAL, VIRAL, AND FUNGAL INFECTIONS; MONOCYTOPENIA AND MYCOBACTERIAL INFECTION SYNDROME; MONOCYTOPENIA WITH SUSCEPTIBILITY TO MYCOBACTERIAL, FUNGAL, AND PAPILLOMAVIRUS INFECTIONS AND MYELODYSPLASIA; Dendritic cell, monocyte, B lymphocyte, and natural killer lymphocyte deficiency; IMMUNODEFICIENCY 21; GATA2 DEFICIENCY. Identifiers: Orphanet 228423, MedGen C3280030, MONDO:0013607, OMIM 614172.

Submission:

Labcorp Genetics (formerly Invitae), Labcorp
Classification: Uncertain significance for Monocytopenia with susceptibility to infections; Deafness-lymphedema-leukemia syndrome. Last evaluated: 2022-09-18. Review status: criteria provided, single submitter. Criteria: Invitae Variant Classification Sherloc (09022015). Collection method: clinical testing. Allele origin: germline.
Comment: This sequence change replaces proline, which is neutral and non-polar, with arginine, which is basic and polar, at codon 245 of the GATA2 protein (p.Pro245Arg). This variant is not present in population databases (gnomAD no frequency). This variant has not been reported in the literature in individuals affected with GATA2-related conditions. ClinVar contains an entry for this variant (Variation ID: 1447981). Advanced modeling of protein sequence and biophysical properties (such as structural, functional, and spatial information, amino acid conservation, physicochemical variation, residue mobility, and thermodynamic stability) has been performed at Invitae for this missense variant, however the output from this modeling did not meet the statistical confidence thresholds required to predict the impact of this variant on GATA2 protein function. In summary, the available evidence is currently insufficient to determine the role of this variant in disease. Therefore, it has been classified as a Variant of Uncertain Significance.